The following is an entry in ClinVar:

ClinVar aggregate classification (germline): Uncertain significance (1 of 4 stars; one submission).

Conditions:
Familial sleep-related hypermotor epilepsy. Also called: Autosomal Dominant Sleep-Related Hypermotor (Hyperkinetic) Epilepsy. Identifiers: Orphanet 98784, MedGen C3696898, MONDO:0000030.

Allele frequency attached by ClinVar (database versions not stated): ExAC 0.00001; gnomAD exomes below 0.00001.

Submission:

Labcorp Genetics (formerly Invitae), Labcorp
Classification: Uncertain significance. Last evaluated: 2023-08-16. Review status: criteria provided, single submitter. Criteria: Invitae Variant Classification Sherloc (09022015). Collection method: clinical testing. Allele origin: germline.
Comment: This sequence change replaces alanine, which is neutral and non-polar, with valine, which is neutral and non-polar, at codon 455 of the CHRNB2 protein (p.Ala455Val). This variant is present in population databases (rs762839062, gnomAD 0.003%). This variant has not been reported in the literature in individuals affected with CHRNB2-related conditions. Advanced modeling of protein sequence and biophysical properties (such as structural, functional, and spatial information, amino acid conservation, physicochemical variation, residue mobility, and thermodynamic stability) performed at Invitae indicates that this missense variant is expected to disrupt CHRNB2 protein function. In summary, the available evidence is currently insufficient to determine the role of this variant in disease. Therefore, it has been classified as a Variant of Uncertain Significance.

NM_000748.3(CHRNB2):c.1364C>T (p.Ala455Val)

Gene: CHRNB2 (cholinergic receptor nicotinic beta 2 subunit; plus strand). Cytogenetic location: 1q21.3.
Variant type: single nucleotide variant.
Coding change: c.1364C>T on transcript NM_000748.3 (MANE Select); coding-DNA position 1364, C replaced by T.
Protein change: p.Ala455Val; replaces alanine 455 with valine.
Molecular consequence: missense variant.
Genome position (GRCh38, 1-based): chr1:154,575,787, C>T. VCF-style: chr1-154575787-C-T. GRCh37 (hg19) VCF-style: chr1-154548263-C-T.
Other names: short protein forms A455V.
Identifiers: ClinVar variation 2752677 (VCV002752677.3), dbSNP rs762839062, ClinGen allele CA1130865.